The following is an entry in ClinVar:

NM_001110556.2(FLNA):c.4319T>A (p.Val1440Asp)

Gene: FLNA (filamin A; minus strand). Cytogenetic location: Xq28.
Variant type: single nucleotide variant.
Coding change: c.4319T>A on transcript NM_001110556.2 (MANE Select); coding-DNA position 4319, T replaced by A.
Protein change: p.Val1440Asp; replaces valine 1440 with aspartic acid.
Molecular consequence: missense variant.
Genome position (GRCh38, 1-based): chrX:154,359,139, A>T on the plus strand (T>A on the coding strand, the complement: FLNA is on the minus strand). VCF-style: chrX-154359139-A-T. GRCh37 (hg19) VCF-style: chrX-153587507-A-T.
Other names: c.4319T>A, p.Val1440Asp (NM_001456.4); short protein forms V1440D.
Identifiers: ClinVar variation 4789586 (VCV004789586.1).

ClinVar aggregate classification (germline): Uncertain significance (1 of 4 stars; one submission).

Conditions:
Heterotopia, periventricular, X-linked dominant (PVNH1). Also called: PERIVENTRICULAR NODULAR HETEROTOPIA 4; HETEROTOPIA, PERIVENTRICULAR, 1; PERIVENTRICULAR NODULAR HETEROTOPIA 1; X-linked periventricular heterotopia. Identifiers: Orphanet 2149, Orphanet 82004, MedGen C1848213, MONDO:0010233, OMIM 300049.
Oto-palato-digital syndrome, type II (OPD2). Also called: Otopalatodigital Syndrome, Type II; FACIOPALATOOSSEOUS SYNDROME; OPD II SYNDROME; Otopalatodigital Syndrome Type 2 (FLNA-OPD2). Identifiers: Orphanet 669, Orphanet 90652, MedGen C1844696, MONDO:0010571, OMIM 304120.
Melnick-Needles syndrome (MNS). Also called: MELNICK-NEEDLES OSTEODYSPLASTY; OSTEODYSPLASTY OF MELNICK AND NEEDLES; Melnick-Needles Syndrome (FLNA-MNS). Identifiers: Orphanet 2484, MedGen C0025237, MONDO:0010650, OMIM 309350.
Frontometaphyseal dysplasia (FMD1). Identifiers: Orphanet 1826, MedGen C0265293, MONDO:0015942.

Submission:

Labcorp Genetics (formerly Invitae), Labcorp
Classification: Uncertain significance for Oto-palato-digital syndrome, type II; Heterotopia, periventricular, X-linked dominant; Frontometaphyseal dysplasia; Melnick-Needles syndrome. Last evaluated: 2025-12-22. Review status: criteria provided, single submitter. Criteria: Invitae Variant Classification Sherloc (09022015). Collection method: clinical testing. Allele origin: germline.
Comment: This sequence change replaces valine, which is neutral and non-polar, with aspartic acid, which is acidic and polar, at codon 1440 of the FLNA protein (p.Val1440Asp). This variant is not present in population databases (gnomAD no frequency). This variant has not been reported in the literature in individuals affected with FLNA-related conditions. Invitae Evidence Modeling of protein sequence and biophysical properties (such as structural, functional, and spatial information, amino acid conservation, physicochemical variation, residue mobility, and thermodynamic stability) has been performed for this missense variant. However, the output from this modeling did not meet the statistical confidence thresholds required to predict the impact of this variant on FLNA protein function. In summary, the available evidence is currently insufficient to determine the role of this variant in disease. Therefore, it has been classified as a Variant of Uncertain Significance.